The following is an entry in ClinVar:

NM_006514.4(SCN10A):c.5852T>G (p.Leu1951Arg)

Gene: SCN10A (sodium voltage-gated channel alpha subunit 10; minus strand). Cytogenetic location: 3p22.2.
Variant type: single nucleotide variant.
Coding change: c.5852T>G on transcript NM_006514.4 (MANE Select); coding-DNA position 5852, T replaced by G.
Protein change: p.Leu1951Arg; replaces leucine 1951 with arginine.
Molecular consequence: missense variant.
Genome position (GRCh38, 1-based): chr3:38,697,368, A>C on the plus strand (T>G on the coding strand, the complement: SCN10A is on the minus strand). VCF-style: chr3-38697368-A-C. GRCh37 (hg19) VCF-style: chr3-38738859-A-C.
Other names: c.5849T>G, p.Leu1950Arg (NM_001293306.2); c.5558T>G, p.Leu1853Arg (NM_001293307.2); short protein forms L1853R, L1951R, L1950R.
Identifiers: ClinVar variation 3950862 (VCV003950862.1).

ClinVar aggregate classification (germline): Uncertain significance (1 of 4 stars; one submission).

Conditions:
Cardiovascular phenotype. Identifiers: MedGen CN230736.

Submission:

Ambry Genetics
Classification: Uncertain significance for Cardiovascular phenotype. Last evaluated: 2025-04-19. Review status: criteria provided, single submitter. Criteria: Ambry Variant Classification Scheme 2023. Collection method: clinical testing. Allele origin: germline.
Comment: The p.L1951R variant (also known as c.5852T>G), located in coding exon 27 of the SCN10A gene, results from a T to G substitution at nucleotide position 5852. The leucine at codon 1951 is replaced by arginine, an amino acid with dissimilar properties. This amino acid position is conserved. In addition, this alteration is predicted to be tolerated by in silico analysis. Based on the available evidence, the clinical significance of this variant remains unclear.